The following is an entry in ClinVar:

NM_000466.3(PEX1):c.2449G>A (p.Ala817Thr)

Gene: PEX1 (peroxisomal biogenesis factor 1; minus strand). Cytogenetic location: 7q21.2.
Variant type: single nucleotide variant.
Coding change: c.2449G>A on transcript NM_000466.3 (MANE Select); coding-DNA position 2449, G replaced by A.
Protein change: p.Ala817Thr; replaces alanine 817 with threonine.
Molecular consequence: missense variant.
Genome position (GRCh38, 1-based): chr7:92,501,641, C>T on the plus strand (G>A on the coding strand, the complement: PEX1 is on the minus strand). VCF-style: chr7-92501641-C-T. GRCh37 (hg19) VCF-style: chr7-92130955-C-T.
Other names: c.2278G>A, p.Ala760Thr (NM_001282677.2); c.1825G>A, p.Ala609Thr (NM_001282678.2); short protein forms A760T, A817T, A609T.
Identifiers: ClinVar variation 1439800 (VCV001439800.8), dbSNP rs2116145984, ClinGen allele CA368176236.

ClinVar aggregate classification (germline): Uncertain significance (1 of 4 stars; one submission).

Conditions:
Zellweger spectrum disorders (ZS). Also called: Zellweger Spectrum Disorder (ZSD); Zellweger syndrome; Zellweger Spectrum Disorder; Zellweger Spectrum. Identifiers: Orphanet 912, MedGen C0043459, MONDO:0019609.

Submission:

Labcorp Genetics (formerly Invitae), Labcorp
Classification: Uncertain significance for Zellweger spectrum disorders. Last evaluated: 2025-04-16. Review status: criteria provided, single submitter. Criteria: Invitae Variant Classification Sherloc (09022015). Collection method: clinical testing. Allele origin: germline.
Comment: This sequence change replaces alanine, which is neutral and non-polar, with threonine, which is neutral and polar, at codon 817 of the PEX1 protein (p.Ala817Thr). This variant is not present in population databases (gnomAD no frequency). This variant has not been reported in the literature in individuals affected with PEX1-related conditions. ClinVar contains an entry for this variant (Variation ID: 1439800). Invitae Evidence Modeling of protein sequence and biophysical properties (such as structural, functional, and spatial information, amino acid conservation, physicochemical variation, residue mobility, and thermodynamic stability) indicates that this missense variant is expected to disrupt PEX1 protein function with a positive predictive value of 95%. In summary, the available evidence is currently insufficient to determine the role of this variant in disease. Therefore, it has been classified as a Variant of Uncertain Significance.